The following is an entry in ClinVar:

NM_001377229.1(DISP1):c.3992A>C (p.His1331Pro)

Gene: DISP1 (dispatched RND transporter family member 1; plus strand). Cytogenetic location: 1q41.
Variant type: single nucleotide variant.
Coding change: c.3992A>C on transcript NM_001377229.1 (MANE Select); coding-DNA position 3992, A replaced by C.
Protein change: p.His1331Pro; replaces histidine 1331 with proline.
Molecular consequence: missense variant.
Genome position (GRCh38, 1-based): chr1:223,005,389, A>C. VCF-style: chr1-223005389-A-C. GRCh37 (hg19) VCF-style: chr1-223178731-A-C.
Other names: c.3263A>C, p.His1088Pro (NM_001350630.2); c.3992A>C, p.His1331Pro (NM_001369594.1, NM_001377228.1, NM_032890.5); short protein forms H1331P, H1088P.
Identifiers: ClinVar variation 282713 (VCV000282713.8), dbSNP rs750541511, ClinGen allele CA1409514.
Genomic context (GRCh38, chr1:223,005,389, plus strand): 5'-GCGTGGCACCTCTGAAGGCCACACACCAAGCTGTCGAGGGCTTTGTGCACCCCATCACGC[A>C]CATCCACCACTGTCCCTGCCTGCAGGGCAGAGTAAAGCCAGCCGGAATGCAGAATTCTCT-3'
Protein context (NP_001364158.1, residues 1321-1341): AVEGFVHPIT[His1331Pro]IHHCPCLQGR

ClinVar aggregate classification (germline): Uncertain significance. Review status: criteria provided, multiple submitters, no conflicts (2 of 4 stars). 3 submissions from 3 submitters: Uncertain significance (3). Last evaluated 2026-05-01.

Allele frequency attached by ClinVar (database versions not stated): TOPMed 0.00002; gnomAD 0.00003; gnomAD exomes 0.00006 and 0.00009; ExAC 0.00010.
gnomAD v4.1: 141 of 1,613,422 alleles (0.0087%); highest among the groups gnomAD compares: Middle Eastern, 0.033%; no homozygotes.

Submissions (3):

CeGaT Center for Human Genetics Tuebingen
Classification: Uncertain significance. Last evaluated: 2026-05-01. Review status: criteria provided, single submitter. Criteria: CeGaT Center For Human Genetics Tuebingen Variant Classification Criteria Version 2. Collection method: clinical testing. Allele origin: germline. Affected: yes. Observed: 1 variant allele.
Comment: DISP1: PP2

Eurofins Ntd Llc (ga)
Classification: Uncertain significance. Last evaluated: 2015-08-26. Review status: criteria provided, single submitter. Criteria: EGL Classification Definitions 2015. Collection method: clinical testing. Allele origin: germline. Observed: 1 variant allele, 1 heterozygote.

Breakthrough Genomics
Classification: Uncertain significance. Review status: criteria provided, single submitter. Criteria: ACMG Guidelines, 2015. Collection method: not provided. Allele origin: germline. Inheritance: Unknown mechanism. Affected: yes.